The following is an entry in ClinVar:

ClinVar aggregate classification (germline): Uncertain significance. Review status: criteria provided, multiple submitters, no conflicts (2 of 4 stars). 2 submissions from 2 submitters: Uncertain significance (2). Last evaluated 2021-08-14.

Conditions:
Donnai-Barrow syndrome. Also called: FACIOOCULOACOUSTICORENAL SYNDROME; DBS/FOAR SYNDROME. Identifiers: Orphanet 2143, MedGen C1857277, MONDO:0009104, OMIM 222448.

Allele frequency attached by ClinVar (database versions not stated): gnomAD exomes below 0.00001.
gnomAD v4.1: 1 of 1,613,800 alleles (0.000062%); highest among the groups gnomAD compares: Non-Finnish European, 0.000085%; no homozygotes.

Submissions (2):

Labcorp Genetics (formerly Invitae), Labcorp
Classification: Uncertain significance. Last evaluated: 2021-08-14. Review status: criteria provided, single submitter. Criteria: Invitae Variant Classification Sherloc (09022015). Collection method: clinical testing. Allele origin: germline.
Comment: This sequence change replaces glutamic acid with glycine at codon 632 of the LRP2 protein (p.Glu632Gly). The glutamic acid residue is moderately conserved and there is a moderate physicochemical difference between glutamic acid and glycine. This variant is not present in population databases (ExAC no frequency). This variant has not been reported in the literature in individuals affected with LRP2-related conditions. Algorithms developed to predict the effect of missense changes on protein structure and function (SIFT, PolyPhen-2, Align-GVGD) all suggest that this variant is likely to be tolerated. In summary, the available evidence is currently insufficient to determine the role of this variant in disease. Therefore, it has been classified as a Variant of Uncertain Significance.

Juno Genomics, Hangzhou Juno Genomics, Inc
Classification: Uncertain significance for Donnai-Barrow syndrome. Review status: criteria provided, single submitter. Criteria: ACMG Guidelines, 2015. Collection method: clinical testing. Allele origin: germline.
Comment: Absent from controls (or at extremely low frequency if recessive) in Genome Aggregation Database.;Missense variant in a gene that has a low rate of benign missense variation.

NM_004525.3(LRP2):c.1895A>G (p.Glu632Gly)

Gene: LRP2 (LDL receptor related protein 2; minus strand). Cytogenetic location: 2q31.1.
Variant type: single nucleotide variant.
Coding change: c.1895A>G on transcript NM_004525.3 (MANE Select); coding-DNA position 1895, A replaced by G.
Protein change: p.Glu632Gly; replaces glutamic acid 632 with glycine.
Molecular consequence: missense variant.
Genome position (GRCh38, 1-based): chr2:169,275,116, T>C on the plus strand (A>G on the coding strand, the complement: LRP2 is on the minus strand). VCF-style: chr2-169275116-T-C. GRCh37 (hg19) VCF-style: chr2-170131626-T-C.
Other names: short protein forms E632G.
Identifiers: ClinVar variation 1368623 (VCV001368623.7), dbSNP rs1490881003, ClinGen allele CA349143409.